The following is an entry in ClinVar:

NM_000465.4(BARD1):c.2255A>C (p.Gln752Pro)

Gene: BARD1 (BRCA1 associated RING domain 1; minus strand). Cytogenetic location: 2q35.
Variant type: single nucleotide variant.
Coding change: c.2255A>C on transcript NM_000465.4 (MANE Select); coding-DNA position 2255, A replaced by C.
Protein change: p.Gln752Pro; replaces glutamine 752 with proline.
Molecular consequence: missense variant. On other transcripts: non-coding transcript variant (3).
Genome position (GRCh38, 1-based): chr2:214,728,755, T>G on the plus strand (A>C on the coding strand, the complement: BARD1 is on the minus strand). VCF-style: chr2-214728755-T-G. GRCh37 (hg19) VCF-style: chr2-215593479-T-G.
Other names: c.2198A>C, p.Gln733Pro (NM_001282543.2); c.902A>C, p.Gln301Pro (NM_001282545.2); c.845A>C, p.Gln282Pro (NM_001282548.2); c.716A>C, p.Gln239Pro (NM_001282549.2); short protein forms Q282P, Q752P, Q733P, Q239P, Q301P.
Identifiers: ClinVar variation 959252 (VCV000959252.9), dbSNP rs755369095, ClinGen allele CA350449983.

ClinVar aggregate classification (germline): Uncertain significance (1 of 4 stars; one submission).

Conditions:
Familial cancer of breast. Also called: BREAST CANCER, FAMILIAL; Hereditary breast cancer; hereditary breast carcinoma. Identifiers: Orphanet 227535, MedGen C0346153, MONDO:0016419, OMIM 114480. Disease mechanism: loss of function.

Submission:

Labcorp Genetics (formerly Invitae), Labcorp
Classification: Uncertain significance for Familial cancer of breast. Last evaluated: 2019-08-03. Review status: criteria provided, single submitter. Criteria: Invitae Variant Classification Sherloc (09022015). Collection method: clinical testing. Allele origin: germline.
Comment: This sequence change replaces glutamine with proline at codon 752 of the BARD1 protein (p.Gln752Pro). The glutamine residue is highly conserved and there is a moderate physicochemical difference between glutamine and proline. This variant is not present in population databases (ExAC no frequency). This variant has not been reported in the literature in individuals with BARD1-related conditions. Algorithms developed to predict the effect of missense changes on protein structure and function are either unavailable or do not agree on the potential impact of this missense change (SIFT: "Deleterious"; PolyPhen-2: "Possibly Damaging"; Align-GVGD: "Class C15"). In summary, the available evidence is currently insufficient to determine the role of this variant in disease. Therefore, it has been classified as a Variant of Uncertain Significance.